The following is an entry in ClinVar:

ClinVar aggregate classification (germline): Likely pathogenic (1 of 4 stars; one submission).

Submission:

GeneDx
Classification: Likely pathogenic. Last evaluated: 2026-02-01. Review status: criteria provided, single submitter. Criteria: GeneDx Variant Classification Process June 2021. Collection method: clinical testing. Allele origin: germline. Affected: yes.
Comment: Published functional studies demonstrate a damaging effect of greatly reduced enzyme activity (PMID: 29979746); Not observed at significant frequency in large population cohorts (gnomAD); In silico analysis suggests that this missense variant does not alter protein structure/function; This variant is associated with the following publications: (PMID: 29979746)

NM_000263.4(NAGLU):c.1045C>T (p.Leu349Phe)

Gene: NAGLU (N-acetyl-alpha-glucosaminidase; plus strand). Cytogenetic location: 17q21.2.
Variant type: single nucleotide variant.
Coding change: c.1045C>T on transcript NM_000263.4 (MANE Select); coding-DNA position 1045, C replaced by T.
Protein change: p.Leu349Phe; replaces leucine 349 with phenylalanine.
Molecular consequence: missense variant.
Genome position (GRCh38, 1-based): chr17:42,543,051, C>T. VCF-style: chr17-42543051-C-T. GRCh37 (hg19) VCF-style: chr17-40695069-C-T.
Other names: short protein forms L349F.
Identifiers: ClinVar variation 3602199 (VCV003602199.2).